The following is an entry in ClinVar:

NM_000275.3(OCA2):c.1471ATT[1] (p.Ile492del)

Gene: OCA2 (OCA2 melanosomal transmembrane protein; minus strand). Cytogenetic location: 15q13.1.
Variant type: Microsatellite.
Coding change: c.1471ATT[1] on transcript NM_000275.3 (MANE Select); one copy of the 3-base unit ATT starting at c.1471; the reference has two copies in a row; one copy, 3 bases deleted.
Protein change: p.Ile492del; deletes isoleucine 492.
Molecular consequence: inframe deletion.
Genome position (GRCh38, 1-based): chr15:27,983,372-27,983,374, AAT deleted on the plus strand (ATT on the coding strand, the reverse complement: OCA2 is on the minus strand); deleting any 3 consecutive bases within chr15:27,983,372-27,983,377 gives the same sequence; the position shown is the placement nearest the transcript's 3' end. VCF-style (leftmost placement, unchanged base first): chr15-27983371-CAAT-C. GRCh37 (hg19) VCF-style: chr15-28228517-CAAT-C.
Other names: c.1399ATT[1], p.Ile468del (NM_001300984.2); short protein forms I492del, I468del.
Identifiers: ClinVar variation 5004614 (VCV005004614.1).
Genomic context (GRCh38, chr15:27,983,371, plus strand): 5'-TTACTGGAAGCAACCCTAGCATGCTGGTACGTACCATCTTCCTCAGCTCTTGGTTGGAAA[CAAT>C]AATGACATTTGGAGGGTCCCCGATGGCAGTGGCAGCTCCTCCAATGTTTGTGAAGATCAC-3'

ClinVar aggregate classification (germline): Uncertain significance (1 of 4 stars; one submission).

Conditions:
Tyrosinase-positive oculocutaneous albinism (OCA2). Also called: ALBINISM II; Albinism, oculocutaneous, type II; Oculocutaneous albinism type 2. Identifiers: Orphanet 79432, MedGen C0268495, MONDO:0008746, OMIM 203200.

Submission:

Myriad Genetics, Inc.
Classification: Uncertain significance for Tyrosinase-positive oculocutaneous albinism. Last evaluated: 2026-04-20. Review status: criteria provided, single submitter. Criteria: Myriad Autosomal Dominant, Autosomal Recessive and X-Linked Classification Criteria (2023). Collection method: clinical testing. Allele origin: unknown.
Comment: NM_000275.2(OCA2):c.1474_1476delATT(I492del) is an in-frame deletion classified as a variant of uncertain significance in the context of oculocutaneous albinism, OCA2-related. I492del has not been observed in cases with relevant disease. Relevant functional assessments of this variant are not available in the literature. I492del has not been observed in referenced population frequency databases. In summary, there is insufficient evidence to classify NM_000275.2(OCA2):c.1474_1476delATT(I492del) as pathogenic or benign. Please note: this variant was assessed in the context of healthy population screening.